The following is an entry in ClinVar:

ClinVar aggregate classification (germline): Likely pathogenic (1 of 4 stars; one submission).

Conditions:
Mitochondrial trifunctional protein deficiency 1 (MTPD1). Identifiers: MedGen CN376812, MONDO:0958181, OMIM 609015.
Long chain 3-hydroxyacyl-CoA dehydrogenase deficiency. Also called: LCHAD Deficiency; Deficiency of long-chain 3-hydroxyacyl-coenzyme A dehydrogenase. Identifiers: Orphanet 5, MedGen C3711645, MONDO:0012173, OMIM 609016.

Submission:

Juno Genomics, Hangzhou Juno Genomics, Inc
Classification: Likely pathogenic for Mitochondrial trifunctional protein deficiency 1; Long chain 3-hydroxyacyl-CoA dehydrogenase deficiency. Review status: criteria provided, single submitter. Criteria: ACMG Guidelines, 2015. Collection method: clinical testing. Allele origin: germline.
Comment: Null variant in a gene where loss of function (LOF) is a known mechanism of disease.;Absent from controls (or at extremely low frequency if recessive) in Genome Aggregation Database.

NM_000182.5(HADHA):c.1801dup (p.Glu601fs)

Genes: GAREM2 (GRB2 associated regulator of MAPK1 subtype 2; plus strand), HADHA (hydroxyacyl-CoA dehydrogenase trifunctional multienzyme complex subunit alpha; minus strand). Cytogenetic location: 2p23.3.
Variant type: Duplication.
Coding change: c.1801dup on transcript NM_000182.5 (MANE Select); coding-DNA position 1801, one base duplicated (G; older notation c.1801dupG).
Protein change: p.Glu601fs; shifts the reading frame from glutamic acid 601.
Molecular consequence: frameshift variant.
Genome position (GRCh38, 1-based): chr2:26,193,661, C duplicated on the plus strand (G on the coding strand, the reverse complement: HADHA is on the minus strand); the first of 2 consecutive C bases (chr2:26,193,661-26,193,662); duplicating either gives the same sequence. VCF-style (leftmost placement, unchanged base first): chr2-26193660-T-TC. GRCh37 (hg19) VCF-style: chr2-26416529-T-TC.
Other names: short protein forms E601fs.
Identifiers: ClinVar variation 5006264 (VCV005006264.2).
Genomic context (GRCh38, chr2:26,193,660, plus strand): 5'-TGTGTCAGCAGTTCTGGGTTTCCACCTCCAAACCGCTCCCCAAAGACTTTGCCCAGATCT[T>TC]CCGCCACATGTTTCGCTACATCCACACCAACTTCATCCACCAGTGTGGCGGCACCCACAG-3'